The following is an entry in ClinVar:

ClinVar aggregate classification (germline): Conflicting classifications of pathogenicity. Review status: criteria provided, conflicting classifications (1 of 4 stars). 8 submissions from 8 submitters: Likely pathogenic (4); Uncertain significance (3). 1 of the submissions does not count toward it. Last evaluated 2026-10-01.

Conditions:
TRMU-related disorder. Also called: TRMU-related condition.
Acute infantile liver failure due to synthesis defect of mtDNA-encoded proteins. Also called: Liver failure acute infantile; TRMU Deficiency; LIVER FAILURE, INFANTILE, TRANSIENT. Identifiers: Orphanet 217371, MedGen C3278664, MONDO:0013111, OMIM 613070.
Inborn genetic diseases. Identifiers: MedGen C0950123, MeSH D030342.

Allele frequency attached by ClinVar (database versions not stated): TOPMed below 0.00001; ExAC 0.00002; gnomAD exomes 0.00002.

Submissions (8):

GeneDx
Classification: Likely pathogenic. Last evaluated: 2026-10-01. Review status: criteria provided, single submitter. Criteria: GeneDx Variant Classification Process June 2021. Collection method: clinical testing. Allele origin: germline.
Comment: Published functional studies support this variant is associated with impaired mitochondrial protein synthesis (PMID: 38113276); In silico analysis supports that this missense variant has a deleterious effect on protein structure/function; Not observed at significant frequency in large population cohorts (gnomAD); This variant is associated with the following publications: (PMID: 25326635, 28973083, 37184518, 38113276)

Myriad Genetics, Inc.
Classification: Likely pathogenic for Acute infantile liver failure due to synthesis defect of mtDNA-encoded proteins. Last evaluated: 2026-05-12. Review status: criteria provided, single submitter. Criteria: Myriad Autosomal Dominant, Autosomal Recessive and X-Linked Classification Criteria (2023). Collection method: clinical testing. Allele origin: unknown.
Comment: NM_018006.4(TRMU):c.1135G>T(G379C) is a missense variant classified as likely pathogenic in the context of acute liver failure, TRMU-related. G379C has been observed in cases with relevant disease (PMID: 37184518, 28973083). Relevant functional assessments of this variant are available in the literature (PMID: 38113276). G379C has been observed in referenced population frequency databases. In summary, NM_018006.4(TRMU):c.1135G>T(G379C) is a missense variant that has functional support for pathogenicity and has been observed more frequently in cases with the relevant disease than in healthy populations. Please note: this variant was assessed in the context of healthy population screening.

Natera, Inc.
Classification: Likely pathogenic for Acute infantile liver failure due to synthesis defect of mtDNA-encoded proteins. Last evaluated: 2024-06-26. Review status: criteria provided, single submitter. Criteria: Natera Variant Classification Schema (03/2026). Collection method: clinical testing. Allele origin: germline.
Comment: The c.1135G>T variant in TRMU is a missense variant predicted to cause substitution of glycine to cysteine at amino acid 379. This variant is rare in the general population with a frequency below the threshold expected for the associated phenotype(s). This variant has been observed in one or more individuals affected with the associated recessive disease, as either homozygous or compound heterozygous with a second variant (PMID: 37184518). Functional studies show that this variant may disrupt protein function (PMID: 38113276). Computational prediction algorithms indicate this variant is likely to affect gene or protein function. Given the available evidence, this variant is classified as Likely Pathogenic.

Women's Health and Genetics/Laboratory Corporation of America, LabCorp
Classification: Uncertain significance. Last evaluated: 2023-12-12. Review status: criteria provided, single submitter. Criteria: LabCorp Variant Classification Summary - May 2015. Collection method: clinical testing. Allele origin: germline.
Comment: Variant summary: TRMU c.1135G>T (p.Gly379Cys) results in a non-conservative amino acid change located in the tRNA-specific 2-thiouridylase MnmA-like, C-terminal domain (IPR046885) of the encoded protein sequence. Four of five in-silico tools predict a damaging effect of the variant on protein function. The variant allele was found at a frequency of 2e-05 in 251018 control chromosomes. The available data on variant occurrences in the general population are insufficient to allow any conclusion about variant significance. c.1135G>T has been reported in the literature with a second variant (c.497C>A; p.Ala166Glu) in at least one individual affected with Liver Failure Acute Infantile, Transient (e.g. Meng_2017). This report does not provide unequivocal conclusions about association of the variant with Liver Failure Acute Infantile, Transient. To our knowledge, no experimental evidence demonstrating an impact on protein function has been reported. The following publication has been ascertained in the context of this evaluation (PMID: 28973083). Four submitters have cited clinical-significance assessments for this variant to ClinVar after 2014 with conflicting assessments: two submitters classify the variant as likely pathogenic, and two submitters classify the variant as uncertain significance. Based on the evidence outlined above, the variant was classified as uncertain significance.

Eurofins Ntd Llc (ga)
Classification: Uncertain significance. Last evaluated: 2018-05-23. Review status: criteria provided, single submitter. Criteria: EGL ClinVar v180209 classification definitions. Collection method: clinical testing. Allele origin: germline. Observed: 3 variant alleles, 2 heterozygotes, 1 homozygote.

Ambry Genetics
Classification: Likely pathogenic for Inborn genetic diseases. Last evaluated: 2017-09-28. Review status: criteria provided, single submitter. Criteria: Ambry exome assertion method (8-5-2015). Collection method: clinical testing. Allele origin: germline. Affected: yes. Observed: 1 variant allele.

Baylor Genetics
Classification: Uncertain significance for Acute infantile liver failure due to synthesis defect of mtDNA-encoded proteins. Last evaluated: 2017-09-01. Review status: criteria provided, single submitter. Criteria: ACMG Guidelines, 2015. Collection method: clinical testing. Allele origin: germline. Inheritance: Autosomal recessive inheritance. Affected: yes.
Comment: Heterozygotes would be expected to be asymptomatic carriers.

PreventionGenetics, part of Exact Sciences
Classification: Likely pathogenic for TRMU-related condition. Last evaluated: 2024-03-20. Review status: no assertion criteria provided. Collection method: clinical testing. Allele origin: germline. Not counted in ClinVar's aggregate classification.
Comment: The TRMU c.1135G>T variant is predicted to result in the amino acid substitution p.Gly379Cys. This variant was reported in the homozygous state or with a second TRMU variant in individuals with infantile liver failure (Meng et al 2017. PubMed ID: 28973083; Squires et al. 2023. PubMed ID: 37184518). This variant is reported in 0.014% of alleles in individuals of Latino descent in gnomAD. This variant is interpreted as likely pathogenic.

Literature cited by the submitters: PubMed 28973083 (cited by 3 submitters); PubMed 37184518 (cited by Myriad Genetics, Inc. and Natera, Inc.); PubMed 38113276 (cited by Myriad Genetics, Inc. and Natera, Inc.); PubMed 25326635 (cited by Baylor Genetics).

NM_018006.5(TRMU):c.1135G>T (p.Gly379Cys)

Gene: TRMU (tRNA mitochondrial 2-thiouridylase; plus strand). Cytogenetic location: 22q13.31.
Variant type: single nucleotide variant.
Coding change: c.1135G>T on transcript NM_018006.5 (MANE Select); coding-DNA position 1135, G replaced by T.
Protein change: p.Gly379Cys; replaces glycine 379 with cysteine.
Molecular consequence: missense variant. On other transcripts: non-coding transcript variant (2).
Genome position (GRCh38, 1-based): chr22:46,356,875, G>T. VCF-style: chr22-46356875-G-T. GRCh37 (hg19) VCF-style: chr22-46752772-G-T.
Other names: c.793G>T, p.Gly265Cys (NM_001282782.2); c.715G>T, p.Gly239Cys (NM_001282783.2); c.632G>T, p.Gly211Val (NM_001282784.2); c.1052G>T, p.Gly351Val (NM_001282785.2); short protein forms G379C, G211V, G239C, G351V, G265C.
Identifiers: ClinVar variation 193910 (VCV000193910.18), dbSNP rs773023974, ClinGen allele CA239640.